The following is an entry in ClinVar:

ClinVar aggregate classification (germline): Conflicting classifications of pathogenicity. Review status: criteria provided, conflicting classifications (1 of 4 stars). 16 submissions from 16 submitters: Uncertain significance (1); Benign (3); Likely benign (6). 6 of the submissions do not count toward it. Last evaluated 2026-01-31.

Conditions:
CACNA1C-related disorder. Also called: CACNA1C-related condition; CACNA1C-related disorders. Identifiers: MedGen CN381092, MONDO:0700321.
Cardiovascular phenotype. Identifiers: MedGen CN230736.
Brugada syndrome. Also called: Sudden Unexplained Death Syndrome; Sudden unexpected nocturnal death syndrome; Sudden Unexplained Nocturnal Death Syndrome (SUNDS); Sudden unexplained nocturnal death syndrome. Identifiers: Orphanet 130, MedGen C1142166, MONDO:0015263.
Long QT syndrome (LQTS). Identifiers: MedGen C0023976, MeSH D008133, MONDO:0002442. Disease mechanism: loss of function. Inheritance: Various modes of inheritance.
Brugada syndrome 3 (BRGDA3). Identifiers: Orphanet 130, MedGen C2678478, MONDO:0012742, OMIM 611875.
Timothy syndrome (TS). Also called: LONG QT SYNDROME WITH SYNDACTYLY. Identifiers: Orphanet 65283, MedGen C1832916, MeSH C536962, MONDO:0010979, OMIM 601005.

Allele frequency attached by ClinVar (database versions not stated): gnomAD 0.00037 and 0.00036; gnomAD exomes 0.00037 and 0.00067; ExAC 0.00081; 1000 Genomes Project 0.00040; TOPMed 0.00044; 1000 Genomes Project 30x 0.00047.
gnomAD v4.1: 641 of 1,605,038 alleles (0.04%); highest among the groups gnomAD compares: Middle Eastern, 0.17%; 4 homozygotes.

Submissions (16):

Labcorp Genetics (formerly Invitae), Labcorp
Classification: Likely benign for Long QT syndrome. Last evaluated: 2026-01-31. Review status: criteria provided, single submitter. Criteria: Invitae Variant Classification Sherloc (09022015). Collection method: clinical testing. Allele origin: germline.

Molecular Diagnostic Laboratory for Inherited Cardiovascular Disease, Montreal Heart Institute
Classification: Likely benign. Last evaluated: 2025-04-08. Review status: criteria provided, single submitter. Criteria: ACMG Guidelines, 2015. Collection method: clinical testing. Allele origin: germline. Affected: no.

Women's Health and Genetics/Laboratory Corporation of America, LabCorp
Classification: Likely benign. Last evaluated: 2025-02-10. Review status: criteria provided, single submitter. Criteria: LabCorp Variant Classification Summary - May 2015. Collection method: clinical testing. Allele origin: germline.
Comment: Variant summary: CACNA1C c.1468G>A (p.Gly490Arg) results in a non-conservative amino acid change in the encoded protein sequence. Three of five in-silico tools predict a damaging effect of the variant on protein function. The variant allele was found at a frequency of 0.00067 in 231558 control chromosomes. The observed variant frequency is approximately 66.51 fold of the estimated maximal expected allele frequency for a pathogenic variant in CACNA1C causing Arrhythmia phenotype (1e-05). This variant has been reported in individuals affected with Brugada syndrome, hypertrophic cardiomyopathy, and early repolarization syndrome (e.g., Antzelevitch_2007, D'Argenio_2014, Chen_2021). However, these report(s) do not provide unequivocal conclusions about association of the variant with CACNA1C-related conditions. Published functional studies demonstrate no damaging effect from this variant (Antzelevitch et al., 2007). The following publications have been ascertained in the context of this evaluation (PMID: 17224476, 24183960, 34222376). ClinVar contains an entry for this variant (Variation ID: 17634). Based on the evidence outlined above, the variant was classified as likely benign.

Blueprint Genetics
Classification: Likely benign. Last evaluated: 2024-11-07. Review status: criteria provided, single submitter. Criteria: ACMG Guidelines, 2015. Collection method: clinical testing. Allele origin: germline.

CeGaT Center for Human Genetics Tuebingen
Classification: Likely benign. Last evaluated: 2024-11-01. Review status: criteria provided, single submitter. Criteria: CeGaT Center For Human Genetics Tuebingen Variant Classification Criteria Version 2. Collection method: clinical testing. Allele origin: germline. Affected: yes. Observed: 1 variant allele.
Comment: CACNA1C: PP2, PP3, BS1

Mendelics
Classification: Benign for Timothy syndrome. Last evaluated: 2023-08-22. Review status: criteria provided, single submitter. Criteria: Mendelics Assertion Criteria 2019. Collection method: clinical testing. Allele origin: germline.

GeneDx
Classification: Likely benign. Last evaluated: 2021-06-17. Review status: criteria provided, single submitter. Criteria: GeneDx Variant Classification Process June 2021. Collection method: clinical testing. Allele origin: germline. Affected: yes.
Comment: Published functional studies demonstrate no damaging effect (Antzelevitch et al., 2007).; This variant is associated with the following publications: (PMID: 22581653, 17224476, 20301690, 20817017, 23414114, 24183960, 25333069, 26707467, 27711072, 25974115, 30027834, 30847666, 26582918, 28807990, 30821013, 27535533)

Laboratory for Molecular Medicine, Mass General Brigham Personalized Medicine
Classification: Benign. Last evaluated: 2018-04-09. Review status: criteria provided, single submitter. Criteria: LMM Criteria. Collection method: clinical testing. Allele origin: germline. Inheritance: Autosomal dominant inheritance. Observed: 2 variant alleles.
Comment: proposed classification - variant undergoing re-assessment, contact laboratory

Ambry Genetics
Classification: Benign for Cardiovascular phenotype. Last evaluated: 2017-09-06. Review status: criteria provided, single submitter. Criteria: Ambry Variant Classification Scheme 2023. Collection method: clinical testing. Allele origin: germline.

Eurofins Ntd Llc (ga)
Classification: Uncertain significance. Last evaluated: 2015-08-26. Review status: criteria provided, single submitter. Criteria: EGL Classification Definitions 2015. Collection method: clinical testing. Allele origin: germline. Observed: 1 variant allele, 1 heterozygote.

PreventionGenetics, part of Exact Sciences
Classification: Likely benign for CACNA1C-related condition. Last evaluated: 2024-02-28. Review status: no assertion criteria provided. Collection method: clinical testing. Allele origin: germline. Not counted in ClinVar's aggregate classification.
Comment: This variant is classified as likely benign based on ACMG/AMP sequence variant interpretation guidelines (Richards et al. 2015 PMID: 25741868, with internal and published modifications).

OMIM
Classification: Pathogenic for BRUGADA SYNDROME 3. Last evaluated: 2007-01-30. Review status: no assertion criteria provided. Collection method: literature only. Allele origin: germline. Not counted in ClinVar's aggregate classification.

Cardiovascular Biomedical Research Unit, Royal Brompton & Harefield NHS Foundation Trust
No classification provided. Condition: Brugada syndrome. Review status: no classification provided. Collection method: literature only. Allele origin: germline. Not counted in ClinVar's aggregate classification.
Comment: This variant has been reported as associated with Brugada syndrome in the following publications (PMID:17224476;PMID:20817017). This is a literature report, and does not necessarily reflect the clinical interpretation of the Imperial College / Royal Brompton Cardiovascular Genetics laboratory.

Clinical Genetics DNA and cytogenetics Diagnostics Lab, Erasmus MC, Erasmus Medical Center
Classification: Uncertain significance. Review status: no assertion criteria provided. Collection method: clinical testing. Allele origin: germline. Affected: yes. Study: VKGL Data-share Consensus. Not counted in ClinVar's aggregate classification.

Clinical Genetics, Academic Medical Center
Classification: Uncertain significance. Review status: no assertion criteria provided. Collection method: clinical testing. Allele origin: germline. Affected: yes. Study: VKGL Data-share Consensus. Not counted in ClinVar's aggregate classification.

GeneReviews
No classification provided. Condition: Brugada syndrome 3. Review status: no classification provided. Collection method: literature only. Allele origin: germline. Affected: yes. Not counted in ClinVar's aggregate classification.

Literature cited by the submitters: PubMed 17224476 (cited by 6 submitters); PubMed 24183960 (cited by Women's Health and Genetics/Laboratory Corporation of America, LabCorp and Ambry Genetics); PubMed 34222376 (cited by Women's Health and Genetics/Laboratory Corporation of America, LabCorp); PubMed 23414114 (cited by Ambry Genetics); PubMed 25333069 (cited by Ambry Genetics); PubMed 20817017 (cited by Cardiovascular Biomedical Research Unit, Royal Brompton & Harefield NHS Foundation Trust); PubMed 22581653 (cited by Cardiovascular Biomedical Research Unit, Royal Brompton & Harefield NHS Foundation Trust).

NM_000719.7(CACNA1C):c.1468G>A (p.Gly490Arg)

Gene: CACNA1C (calcium voltage-gated channel subunit alpha1 C; plus strand). Cytogenetic location: 12p13.33.
Variant type: single nucleotide variant.
Coding change: c.1468G>A on transcript NM_000719.7 (MANE Select); coding-DNA position 1468, G replaced by A.
Protein change: p.Gly490Arg; replaces glycine 490 with arginine.
Molecular consequence: missense variant.
Genome position (GRCh38, 1-based): chr12:2,550,020, G>A. VCF-style: chr12-2550020-G-A. GRCh37 (hg19) VCF-style: chr12-2659186-G-A.
Other names: p.G490R:GGG>AGG; c.1468G>A (LRG_334t1); c.1468G>A, p.Gly490Arg (NM_001129837.2, NM_001129838.2, NM_001129839.2 and 18 more transcripts); c.1459G>A, p.Gly487Arg (NM_001129844.2); short protein forms G490R, G487R.
Identifiers: ClinVar variation 17634 (VCV000017634.49), dbSNP rs121912775, ClinGen allele CA264819.